The following is an entry in ClinVar:

ClinVar aggregate classification (germline): Conflicting classifications of pathogenicity. Review status: criteria provided, conflicting classifications (1 of 4 stars). 8 submissions from 8 submitters: Uncertain significance (5); Likely benign (3). Last evaluated 2026-07-22.

Conditions:
PALB2-related disorder. Also called: PALB2-related condition; PALB2-related disorders.
Hereditary cancer-predisposing syndrome. Also called: Neoplastic Syndromes, Hereditary; Tumor predisposition; Hereditary neoplastic syndrome; Hereditary Cancer Syndrome. Identifiers: Orphanet 140162, MedGen C0027672, MeSH D009386, MONDO:0015356.
Familial cancer of breast. Also called: Hereditary breast cancer; BREAST CANCER, FAMILIAL; hereditary breast carcinoma. Identifiers: Orphanet 227535, MedGen C0346153, MONDO:0016419, OMIM 114480. Disease mechanism: loss of function.

Allele frequency attached by ClinVar (database versions not stated): gnomAD exomes below 0.00001; TOPMed 0.00002.

Submissions (8):

PreventionGenetics, part of Exact Sciences
Classification: Uncertain significance for PALB2-related condition. Last evaluated: 2026-07-22. Review status: criteria provided, single submitter. Criteria: ACMG Guidelines, 2015. Collection method: clinical testing. Allele origin: germline.
Comment: The PALB2 c.1421G>A variant is predicted to result in the amino acid substitution p.Ser474Asn. This variant has been observed in an individual with ovarian cancer (Supplementary Table 4, Ramus et al. 2015. PubMed ID: 26315354). Experimental studies have shown that this alteration does not substantially affect PALB2 function (Wiltshire et al. 2019. PubMed ID: 31636395). This variant is reported in 0.00088% of alleles in individuals of European (Non-Finnish) descent in gnomAD and has conflicting interpretations regarding its pathogenicity in ClinVar, ranging from likely benign to uncertain (Variation ID: 184941). Although we suspect that this variant may be benign, at this time, the clinical significance of this variant is uncertain due to the absence of conclusive functional and genetic evidence.

Labcorp Genetics (formerly Invitae), Labcorp
Classification: Uncertain significance for Familial cancer of breast. Last evaluated: 2026-01-22. Review status: criteria provided, single submitter. Criteria: Invitae Variant Classification Sherloc (09022015). Collection method: clinical testing. Allele origin: germline.
Comment: This sequence change replaces serine, which is neutral and polar, with asparagine, which is neutral and polar, at codon 474 of the PALB2 protein (p.Ser474Asn). This variant is present in population databases (rs786201806, gnomAD 0.0009%). This missense change has been observed in individual(s) with ovarian cancer (PMID: 26315354). ClinVar contains an entry for this variant (Variation ID: 184941). Invitae Evidence Modeling of protein sequence and biophysical properties (such as structural, functional, and spatial information, amino acid conservation, physicochemical variation, residue mobility, and thermodynamic stability) indicates that this missense variant is not expected to disrupt PALB2 protein function with a negative predictive value of 80%. Experimental studies have shown that this missense change does not substantially affect PALB2 function (PMID: 31636395). In summary, the available evidence is currently insufficient to determine the role of this variant in disease. Therefore, it has been classified as a Variant of Uncertain Significance.

Quest Diagnostics Nichols Institute San Juan Capistrano
Classification: Uncertain significance. Last evaluated: 2025-01-15. Review status: criteria provided, single submitter. Criteria: Quest Diagnostics criteria. Collection method: clinical testing. Allele origin: unknown.
Comment: The PALB2 c.1421G>A (p.Ser474Asn) variant has been reported in the published literature in an individual with ovarian cancer (PMID: 26315354 (2015)) as well as in reportedly healthy individuals (PMID: 32546565 (2021)). Functional assessment suggests that this variant does not disrupt PALB2 homology-directed DNA repair activity (PMID: 31636395 (2020)). The frequency of this variant in the general population (Genome Aggregation Database) is uninformative in the assessment of its pathogenicity. Analysis of this variant using bioinformatics tools for the prediction of the effect of amino acid changes on protein structure and function yielded predictions that this variant is benign. Based on the available information, we are unable to determine the clinical significance of this variant.

Myriad Genetics, Inc.
Classification: Likely benign for Familial cancer of breast. Last evaluated: 2025-01-13. Review status: criteria provided, single submitter. Criteria: Myriad Autosomal Dominant, Autosomal Recessive and X-Linked Classification Criteria (2023). Collection method: clinical testing. Allele origin: unknown.
Comment: This variant is considered likely benign. This variant is strongly associated with less severe personal and family histories of cancer, typical for individuals without pathogenic variants in this gene [PMID: 25085752].

Color Diagnostics, LLC DBA Color Health
Classification: Likely benign for Hereditary cancer-predisposing syndrome. Last evaluated: 2024-11-26. Review status: criteria provided, single submitter. Criteria: ACMG Guidelines, 2015. Collection method: clinical testing. Allele origin: germline.

GeneDx
Classification: Uncertain significance. Last evaluated: 2024-11-18. Review status: criteria provided, single submitter. Criteria: GeneDx Variant Classification Process June 2021. Collection method: clinical testing. Allele origin: germline. Affected: yes.
Comment: Not observed at significant frequency in large population cohorts (gnomAD); In silico analysis indicates that this missense variant does not alter protein structure/function; Published functional studies demonstrate no damaging effect (PMID: 31636395); This variant is associated with the following publications: (PMID: 31636395, 32546565, 35843025, 26315354)

Ambry Genetics
Classification: Likely benign for Hereditary cancer-predisposing syndrome. Last evaluated: 2024-06-20. Review status: criteria provided, single submitter. Criteria: Ambry Variant Classification Scheme 2023. Collection method: clinical testing. Allele origin: germline.

Baylor Genetics
Classification: Uncertain significance for Familial cancer of breast. Last evaluated: 2022-09-21. Review status: criteria provided, single submitter. Criteria: ACMG Guidelines, 2015. Collection method: clinical testing. Allele origin: unknown.

Literature cited by the submitters: PubMed 26315354 (cited by 3 submitters); PubMed 31636395 (cited by 3 submitters); PubMed 32546565 (cited by Quest Diagnostics Nichols Institute San Juan Capistrano); PubMed 33195396 (cited by Quest Diagnostics Nichols Institute San Juan Capistrano); PubMed 34326862 (cited by Quest Diagnostics Nichols Institute San Juan Capistrano); PubMed 25085752 (cited by Myriad Genetics, Inc.).

NM_024675.4(PALB2):c.1421G>A (p.Ser474Asn)

Gene: PALB2 (partner and localizer of BRCA2; minus strand). Cytogenetic location: 16p12.2.
Variant type: single nucleotide variant.
Coding change: c.1421G>A on transcript NM_024675.4 (MANE Select); coding-DNA position 1421, G replaced by A.
Protein change: p.Ser474Asn; replaces serine 474 with asparagine.
Molecular consequence: missense variant.
Genome position (GRCh38, 1-based): chr16:23,635,125, C>T on the plus strand (G>A on the coding strand, the complement: PALB2 is on the minus strand). VCF-style: chr16-23635125-C-T. GRCh37 (hg19) VCF-style: chr16-23646446-C-T.
Other names: short protein forms S474N.
Identifiers: ClinVar variation 184941 (VCV000184941.26), dbSNP rs786201806, ClinGen allele CA190537.